The following is an entry in ClinVar:

ClinVar aggregate classification (germline): Uncertain significance. Review status: criteria provided, multiple submitters, no conflicts (2 of 4 stars). 2 submissions from 2 submitters: Uncertain significance (2). Last evaluated 2025-01-08.

Conditions:
Inborn genetic diseases. Identifiers: MedGen C0950123, MeSH D030342.
L-2-hydroxyglutaric aciduria (L2HGA). Identifiers: Orphanet 79314, MedGen C1855995, MONDO:0009370, OMIM 236792, HP:0040144.

Allele frequency attached by ClinVar (database versions not stated): gnomAD 0.00001; gnomAD exomes 0.00001; TOPMed 0.00002; ESP Exome Variant Server 0.00008.
gnomAD v4.1: 16 of 1,612,758 alleles (0.00099%); highest among the groups gnomAD compares: African/African-American, 0.0013%; no homozygotes.

Submissions (2):

Ambry Genetics
Classification: Uncertain significance for Inborn genetic diseases. Last evaluated: 2025-01-08. Review status: criteria provided, single submitter. Criteria: Ambry Variant Classification Scheme 2023. Collection method: clinical testing. Allele origin: germline.

Victorian Clinical Genetics Services, Murdoch Childrens Research Institute
Classification: Uncertain significance for L-2-hydroxyglutaric aciduria. Last evaluated: 2020-10-19. Review status: criteria provided, single submitter. Criteria: ACMG Guidelines, 2015. Collection method: clinical testing. Allele origin: germline. Inheritance: Autosomal recessive inheritance.
Comment: Based on the classification scheme VCGS_Germline_v1.3.3, this variant is classified as VUS-3C. Following criteria are met: 0102 - Loss of function is a known mechanism of disease in this gene and is associated with L-2-hydroxyglutaric aciduria (MIM#236792). (I) 0106 - This gene is associated with autosomal recessive disease. (I) 0200 - Variant is predicted to result in a missense amino acid change from serine to asparagine. (I) 0251 - This variant is heterozygous. (I) 0304 - Variant is present in gnomAD (v3) <0.01 for a recessive condition (2 heterozygotes, 0 homozygotes). (SP) 0309 - An alternative amino acid change at the same position has been observed in gnomAD (v3) (3 heterozygotes, 0 homozygotes). (I) 0504 - Same amino acid change has been observed in placental mammals. (SB) 0600 - Variant is located in the annotated FAD dependent oxidoreductase domain (PDB). (I) 0705 - No comparable missense variants have previous evidence for pathogenicity. An alternative change (p.Ser344Arg) has been reported as a VUS (ClinVar). (I) 0807 - This variant has no previous evidence of pathogenicity. (I) 0905 - No published segregation evidence has been identified for this variant. (I) 1007 - No published functional evidence has been identified for this variant. (I) 1208 - Inheritance information for this variant is not currently available in this individual. (I) Legend: (SP) - Supporting pathogenic, (I) - Information, (SB) - Supporting benign

NM_024884.3(L2HGDH):c.1031G>A (p.Ser344Asn)

Gene: L2HGDH (L-2-hydroxyglutarate dehydrogenase; minus strand). Cytogenetic location: 14q21.3.
Variant type: single nucleotide variant.
Coding change: c.1031G>A on transcript NM_024884.3 (MANE Select); coding-DNA position 1031, G replaced by A.
Protein change: p.Ser344Asn; replaces serine 344 with asparagine.
Molecular consequence: missense variant.
Genome position (GRCh38, 1-based): chr14:50,267,786, C>T on the plus strand (G>A on the coding strand, the complement: L2HGDH is on the minus strand). VCF-style: chr14-50267786-C-T. GRCh37 (hg19) VCF-style: chr14-50734504-C-T.
Other names: short protein forms S344N.
Identifiers: ClinVar variation 1806111 (VCV001806111.2), dbSNP rs369078905, ClinGen allele CA260738689.
Genomic context (GRCh38, chr14:50,267,786, plus strand): 5'-ATCATTTTTAAAAATAAATAATGTTACCTATTGATAATTATATCCATAACATCTGTGGCA[C>T]TGAAGTCAAAGGGTCTGTAACCCTCTCGTTTAAAGGCAAGAACTGCATTAGGCCCTAGCC-3'
Protein context (NP_079160.1, residues 334-354): KREGYRPFDF[Ser344Asn]ATDVMDIIIN